The following is an entry in ClinVar:

NM_004393.6(DAG1):c.1210A>G (p.Thr404Ala)

Gene: DAG1 (dystroglycan 1; plus strand). Cytogenetic location: 3p21.31.
Variant type: single nucleotide variant.
Coding change: c.1210A>G on transcript NM_004393.6 (MANE Select); coding-DNA position 1210, A replaced by G.
Protein change: p.Thr404Ala; replaces threonine 404 with alanine.
Molecular consequence: missense variant.
Genome position (GRCh38, 1-based): chr3:49,531,721, A>G. VCF-style: chr3-49531721-A-G. GRCh37 (hg19) VCF-style: chr3-49569154-A-G.
Other names: c.1210A>G, p.Thr404Ala (NM_001165928.4, NM_001177634.3, NM_001177635.3 and 9 more transcripts); short protein forms T404A.
Identifiers: ClinVar variation 499248 (VCV000499248.13), dbSNP rs769229834, ClinGen allele CA2399033.

ClinVar aggregate classification (germline): Uncertain significance. Review status: criteria provided, multiple submitters, no conflicts (2 of 4 stars). 5 submissions from 5 submitters: Uncertain significance (5). Last evaluated 2024-12-23.

Conditions:
Inborn genetic diseases. Identifiers: MedGen C0950123, MeSH D030342.
Autosomal recessive limb-girdle muscular dystrophy type 2P. Also called: MUSCULAR DYSTROPHY-DYSTROGLYCANOPATHY, LIMB-GIRDLE, DAG1-RELATED; Limb-Girdle Muscular Dystrophy Type 9C; MUSCULAR DYSTROPHY, LIMB-GIRDLE, TYPE 2P. Identifiers: Orphanet 280333, MedGen C4511963, MONDO:0013440, OMIM 613818.
Muscular dystrophy-dystroglycanopathy (congenital with brain and eye anomalies), type A9. Also called: Muscular dystrophy-dystroglycanopathy (congenital with brain and eye anomalies), type a, 9; WALKER-WARBURG SYNDROME OR MUSCLE-EYE BRAIN DISEASE, DAG1-RELATED. Identifiers: Orphanet 370997, Orphanet 899, MedGen C4225291, MONDO:0014683, OMIM 616538.

Allele frequency attached by ClinVar (database versions not stated): gnomAD 0.00002; gnomAD exomes 0.00002 and 0.00006; ExAC 0.00003; TOPMed 0.00005.
gnomAD v4.1: 40 of 1,613,938 alleles (0.0025%); highest among the groups gnomAD compares: Admixed American, 0.032%; no homozygotes.

Submissions (5):

Ambry Genetics
Classification: Uncertain significance for Inborn genetic diseases. Last evaluated: 2024-12-23. Review status: criteria provided, single submitter. Criteria: Ambry Variant Classification Scheme 2023. Collection method: clinical testing. Allele origin: germline.

Labcorp Genetics (formerly Invitae), Labcorp
Classification: Uncertain significance for Autosomal recessive limb-girdle muscular dystrophy type 2P; Muscular dystrophy-dystroglycanopathy (congenital with brain and eye anomalies), type A9. Last evaluated: 2022-08-15. Review status: criteria provided, single submitter. Criteria: Invitae Variant Classification Sherloc (09022015). Collection method: clinical testing. Allele origin: germline.
Comment: This sequence change replaces threonine, which is neutral and polar, with alanine, which is neutral and non-polar, at codon 404 of the DAG1 protein (p.Thr404Ala). This variant is present in population databases (rs769229834, gnomAD 0.04%). This variant has not been reported in the literature in individuals affected with DAG1-related conditions. ClinVar contains an entry for this variant (Variation ID: 499248). Algorithms developed to predict the effect of missense changes on protein structure and function (SIFT, PolyPhen-2, Align-GVGD) all suggest that this variant is likely to be tolerated. In summary, the available evidence is currently insufficient to determine the role of this variant in disease. Therefore, it has been classified as a Variant of Uncertain Significance.

GeneDx
Classification: Uncertain significance. Last evaluated: 2021-02-05. Review status: criteria provided, single submitter. Criteria: GeneDx Variant Classification Process June 2021. Collection method: clinical testing. Allele origin: germline. Affected: yes.
Comment: In silico analysis supports that this missense variant does not alter protein structure/function; Has not been previously published as pathogenic or benign to our knowledge

Athena Diagnostics
Classification: Uncertain significance. Last evaluated: 2020-04-20. Review status: criteria provided, single submitter. Criteria: Athena Diagnostics Criteria. Collection method: clinical testing. Allele origin: unknown.

Eurofins Ntd Llc (ga)
Classification: Uncertain significance. Last evaluated: 2017-01-03. Review status: criteria provided, single submitter. Criteria: EGL Classification Definitions 2015. Collection method: clinical testing. Allele origin: germline. Observed: 1 variant allele, 1 heterozygote.